The following is an entry in ClinVar:

ClinVar aggregate classification (germline): Uncertain significance. Review status: criteria provided, multiple submitters, no conflicts (2 of 4 stars). 2 submissions from 2 submitters: Uncertain significance (2). Last evaluated 2025-09-29.

Conditions:
Hereditary cancer-predisposing syndrome. Also called: Hereditary Cancer Syndrome; Neoplastic Syndromes, Hereditary; Tumor predisposition; Hereditary neoplastic syndrome. Identifiers: Orphanet 140162, MedGen C0027672, MeSH D009386, MONDO:0015356.

Submissions (2):

Ambry Genetics
Classification: Uncertain significance for Hereditary cancer-predisposing syndrome. Last evaluated: 2025-09-29. Review status: criteria provided, single submitter. Criteria: Ambry Variant Classification Scheme 2023. Collection method: clinical testing. Allele origin: germline.
Comment: The c.5146_5148delTATinsAAA variant (also known as p.Y1716K), located in coding exon 16 of the BRCA1 gene, results from an in-frame deletion of TAT and insertion of AAA at nucleotide positions 5146 to 5148. This results in the substitution of the tyrosine residue for a lysine residue at codon 1716, an amino acid with similar properties. This alteration was found to be deleterious is transcriptional activation assay (Nepomuceno TC et al. Sci Rep, 2022 Sep;12:16203). This amino acid position is well conserved in available vertebrate species. In addition, this alteration is predicted to be neutral by in silico analysis (Choi Y et al. PLoS ONE. 2012; 7(10):e46688). Based on the available evidence, the clinical significance of this variant remains unclear.

Color Diagnostics, LLC DBA Color Health
Classification: Uncertain significance for Hereditary cancer-predisposing syndrome. Last evaluated: 2021-07-02. Review status: criteria provided, single submitter. Criteria: ACMG Guidelines, 2015. Collection method: clinical testing. Allele origin: germline.
Comment: This missense variant replaces tyrosine with lysine at codon 1716 of the BRCA1 protein. Computational prediction is inconclusive regarding the impact of this variant on protein structure and function (internally defined REVEL score threshold 0.5 < inconclusive < 0.7, PMID: 27666373). To our knowledge, functional studies have not been reported for this variant. This variant has not been reported in individuals affected with hereditary cancer in the literature. This variant has not been identified in the general population by the Genome Aggregation Database (gnomAD). The available evidence is insufficient to determine the role of this variant in disease conclusively. Therefore, this variant is classified as a Variant of Uncertain Significance.

Literature cited by the submitters: PubMed 36171434 (cited by Ambry Genetics).

NM_007294.4(BRCA1):c.5146_5148delinsAAA (p.Tyr1716Lys)

Gene: BRCA1 (BRCA1 DNA repair associated; minus strand). Cytogenetic location: 17q21.31.
Variant type: Indel.
Coding change: c.5146_5148delinsAAA on transcript NM_007294.4 (MANE Select); coding-DNA positions 5146 to 5148, TAT replaced by AAA.
Protein change: p.Tyr1716Lys; replaces tyrosine 1716 with lysine.
Molecular consequence: missense variant. On other transcripts: non-coding transcript variant (1).
Genome position (GRCh38, 1-based): chr17:43,063,878-43,063,880, ATA replaced by TTT on the plus strand (TAT replaced by AAA on the coding strand, the reverse complement: BRCA1 is on the minus strand). VCF-style: chr17-43063878-ATA-TTT. GRCh37 (hg19) VCF-style: chr17-41215895-ATA-TTT.
Other names: c.1834_1836delTATinsAAA, p.Tyr612Lys (NM_001407986.1, NM_001407991.1, NM_001407993.1 and 12 more transcripts); c.5017_5019delTATinsAAA, p.Tyr1673Lys (NM_001407688.1, NM_001407689.1, NM_001407941.1 and 6 more transcripts); c.5005_5007delTATinsAAA, p.Tyr1669Lys (NM_001407692.1, NM_001407697.1, NM_001407698.1 and 12 more transcripts); c.1831_1833delTATinsAAA, p.Tyr611Lys (NM_001408392.1, NM_001408396.1, NM_001408397.1 and 8 more transcripts); c.5014_5016delTATinsAAA, p.Tyr1672Lys (NM_001407690.1, NM_001407691.1); c.5002_5004delTATinsAAA, p.Tyr1668Lys (NM_001407732.1, NM_001407733.1, NM_001407734.1 and 21 more transcripts); c.4999_5001delTATinsAAA, p.Tyr1667Lys (NM_001407838.1, NM_001407839.1, NM_001407841.1 and 12 more transcripts); c.5146_5148delTATinsAAA, p.Tyr1716Lys (NM_001407854.1, NM_001407593.1, NM_001407594.1 and 8 more transcripts); and 74 more; short protein forms Y612K, Y1669K, Y1737K, Y1716K, Y1588K, Y1604K, Y1667K, Y1696K.
Identifiers: ClinVar variation 489729 (VCV000489729.9), dbSNP rs1555578543, ClinGen allele CA658684105.
Genomic context (GRCh38, chr17:43,063,878, plus strand): 5'-AAAAATGCAATTCTGAGGTGTTAAAGGGAGGAGGGGAGAAATAGTATTATACTTACAGAA[ATA>TTT]GCTAACTACCCATTTTCCTCCCGCAATTCCTAGAAAATATTTCAGTGTCCGTTCACACAC-3'
Protein context (NP_009225.1, residues 1706-1726): GIAGGKWVVS[Tyr1716Lys]FWVTQSIKER